The following is an entry in ClinVar:

NM_152792.4(ASPRV1):c.307G>A (p.Val103Ile)

Gene: ASPRV1 (aspartic peptidase retroviral like 1; minus strand). Cytogenetic location: 2p13.3.
Variant type: single nucleotide variant.
Coding change: c.307G>A on transcript NM_152792.4 (MANE Select); coding-DNA position 307, G replaced by A.
Protein change: p.Val103Ile; replaces valine 103 with isoleucine.
Molecular consequence: missense variant. On other transcripts: non-coding transcript variant (8).
Genome position (GRCh38, 1-based): chr2:69,961,130, C>T on the plus strand (G>A on the coding strand, the complement: ASPRV1 is on the minus strand). VCF-style: chr2-69961130-C-T. GRCh37 (hg19) VCF-style: chr2-70188262-C-T.
Other names: short protein forms V103I.
Identifiers: ClinVar variation 4981740 (VCV004981740.1).

ClinVar aggregate classification (germline): Likely benign (1 of 4 stars; one submission).

Conditions:
ASPRV1-related condition.

gnomAD v4.1: 291 of 1,613,784 alleles (0.018%); highest among the groups gnomAD compares: East Asian, 0.23%; no homozygotes.

Submission:

PreventionGenetics, part of Exact Sciences
Classification: Likely benign for ASPRV1-related condition. Last evaluated: 2025-07-07. Review status: criteria provided, single submitter. Criteria: ACMG Guidelines, 2015. Collection method: clinical testing. Allele origin: germline.
Comment: This variant is classified as likely benign based on ACMG/AMP sequence variant interpretation guidelines (Richards et al. 2015 PMID: 25741868, with internal and published modifications).